The following is an entry in ClinVar:

NM_000388.4(CASR):c.2293T>C (p.Cys765Arg)

Gene: CASR (calcium sensing receptor; plus strand). Cytogenetic location: 3q21.1.
Variant type: single nucleotide variant.
Coding change: c.2293T>C on transcript NM_000388.4 (MANE Select); coding-DNA position 2293, T replaced by C.
Protein change: p.Cys765Arg; replaces cysteine 765 with arginine.
Molecular consequence: missense variant.
Genome position (GRCh38, 1-based): chr3:122,284,247, T>C. VCF-style: chr3-122284247-T-C. GRCh37 (hg19) VCF-style: chr3-122003094-T-C.
Other names: c.2323T>C, p.Cys775Arg (NM_001178065.2); short protein forms C775R, C765R.
Identifiers: ClinVar variation 643371 (VCV000643371.9), dbSNP rs1363412937, ClinGen allele CA354159356.

ClinVar aggregate classification (germline): Conflicting classifications of pathogenicity. Review status: criteria provided, conflicting classifications (1 of 4 stars). 3 submissions from 3 submitters: Likely pathogenic (1); Uncertain significance (1). 1 of the submissions does not count toward it. Last evaluated 2026-01-19.

Conditions:
Autosomal dominant hypocalcemia 1 (HYPOC1). Also called: HYPOCALCEMIA, FAMILIAL. Identifiers: MedGen C3715128, MONDO:0011013, OMIM 601198.
Familial hypocalciuric hypercalcemia (FHH). Also called: Familial benign hypercalcemia. Identifiers: Orphanet 405, MedGen C1809471, MONDO:0018458.
Familial hypocalciuric hypercalcemia 1. Also called: Hypercalcemia, familial benign type 1. Identifiers: Orphanet 405, Orphanet 93372, MedGen C0342637, MONDO:0007791, OMIM 145980.

Allele frequency attached by ClinVar (database versions not stated): gnomAD exomes below 0.00001.
gnomAD v4.1: 2 of 1,614,122 alleles (0.00012%); highest among the groups gnomAD compares: Non-Finnish European, 0.00017%; no homozygotes.

Submissions (3):

Women's Health and Genetics/Laboratory Corporation of America, LabCorp
Classification: Uncertain significance. Last evaluated: 2026-01-19. Review status: criteria provided, single submitter. Criteria: LabCorp Variant Classification Summary - May 2015. Collection method: clinical testing. Allele origin: germline.
Comment: Variant summary: CASR c.2293T>C (p.Cys765Arg) results in a non-conservative amino acid change in the encoded protein sequence. Algorithms developed to predict the effect of missense changes on protein structure and function all suggest that this variant is likely to be disruptive. The variant allele was found at a frequency of 4e-06 in 250936 control chromosomes (gnomAD). The available data on variant occurrences in the general population are insufficient to allow any conclusion about variant significance. c.2293T>C has been observed in an individual affected with Familial Hypocalciuric Hypercalcemia (Dixit_2011). These data do not allow any conclusion about variant significance. To our knowledge, no experimental evidence demonstrating an impact on protein function has been reported. The following publication has been ascertained in the context of this evaluation (PMID: 21369680). ClinVar contains an entry for this variant (Variation ID: 643371). Based on the evidence outlined above, the variant was classified as uncertain significance.

Labcorp Genetics (formerly Invitae), Labcorp
Classification: Likely pathogenic for Familial hypocalciuric hypercalcemia; Autosomal dominant hypocalcemia 1. Last evaluated: 2025-12-01. Review status: criteria provided, single submitter. Criteria: Invitae Variant Classification Sherloc (09022015). Collection method: clinical testing. Allele origin: germline.
Comment: This sequence change replaces cysteine, which is neutral and slightly polar, with arginine, which is basic and polar, at codon 765 of the CASR protein (p.Cys765Arg). This variant is present in population databases (no rsID available, gnomAD 0.0009%). This missense change has been observed in individual(s) with hypercalcemia (PMID: 21369680; internal data). Invitae Evidence Modeling of clinical and family history, age, sex, and reported ancestry of multiple individuals with this CASR variant has been performed. This variant is expected to be pathogenic with a positive predictive value of at least 99%. This is a validated machine learning model that incorporates the clinical features of 646,172 individuals referred to our laboratory for CASR testing. ClinVar contains an entry for this variant (Variation ID: 643371). An algorithm developed to predict the effect of missense changes on protein structure and function (PolyPhen-2) suggests that this variant is likely to be disruptive. In summary, the currently available evidence indicates that the variant is pathogenic, but additional data are needed to prove that conclusively. Therefore, this variant has been classified as Likely Pathogenic.

Bioscientia Institut fuer Medizinische Diagnostik GmbH, Sonic Healthcare
Classification: Likely pathogenic for Familial hypocalciuric hypercalcemia 1. Last evaluated: 2020-09-04. Review status: no assertion criteria provided. Collection method: clinical testing. Allele origin: germline. Affected: yes. Not counted in ClinVar's aggregate classification.

Literature cited by the submitters: PubMed 21369680 (cited by Women's Health and Genetics/Laboratory Corporation of America, LabCorp and Labcorp Genetics (formerly Invitae), Labcorp).